The following is an entry in ClinVar:

NM_001330260.2(SCN8A):c.3645G>A (p.Leu1215=)

Gene: SCN8A (sodium voltage-gated channel alpha subunit 8; plus strand). Cytogenetic location: 12q13.13.
Variant type: single nucleotide variant.
Coding change: c.3645G>A on transcript NM_001330260.2 (MANE Select); coding-DNA position 3645, G replaced by A.
Protein change: p.Leu1215=; no amino-acid change (leucine 1215 retained).
Molecular consequence: synonymous variant.
Genome position (GRCh38, 1-based): chr12:51,770,683, G>A. VCF-style: chr12-51770683-G-A. GRCh37 (hg19) VCF-style: chr12-52164467-G-A.
Other names: c.3645G>A, p.Leu1215= (NM_001177984.3, NM_001369788.1, NM_014191.4).
Identifiers: ClinVar variation 4998633 (VCV004998633.1).

ClinVar aggregate classification (germline): Uncertain significance (1 of 4 stars; one submission).

Conditions:
SCN8A-related disorder.

Submission:

PreventionGenetics, part of Exact Sciences
Classification: Uncertain significance for SCN8A-related condition. Last evaluated: 2025-03-02. Review status: criteria provided, single submitter. Criteria: ACMG Guidelines, 2015. Collection method: clinical testing. Allele origin: germline.
Comment: The SCN8A c.3645G>A variant is not predicted to result in an amino acid change (p.=). This variant is predicted to alter splicing based on available splicing prediction programs (SpliceAI, Jaganathan et al. 2019. PubMed ID: 30661751). To our knowledge, this variant has not been reported in the literature or in a large population database (gnomAD), indicating this variant is rare. At this time, the clinical significance of this variant is uncertain due to the absence of conclusive functional and genetic evidence.